The following is an entry in ClinVar:

ClinVar aggregate classification (germline): Likely benign. Review status: criteria provided, multiple submitters, no conflicts (2 of 4 stars). 4 submissions from 4 submitters: Likely benign (4). Last evaluated 2025-08-26.

Conditions:
Familial thoracic aortic aneurysm and aortic dissection (TAAD). Also called: Thoracic aortic aneurysms and dissections. Identifiers: Orphanet 91387, MedGen C4707243, MONDO:0019625.
Marfan syndrome (MFS). Also called: Marfan syndrome type 1; Marfan's syndrome; Marfan syndrome, classic; MARFAN SYNDROME, TYPE I; FBN1-Related Marfan Syndrome. Identifiers: Orphanet 284963, Orphanet 558, MedGen C0024796, MONDO:0007947, OMIM 154700.

Allele frequency attached by ClinVar (database versions not stated): gnomAD exomes 0.00001 and 0.00004; gnomAD 0.00008 and 0.00010; TOPMed 0.00008; 1000 Genomes Project 0.00080; ExAC 0.00007; ESP Exome Variant Server 0.00008; 1000 Genomes Project 30x 0.00078.
gnomAD v4.1: 32 of 1,614,090 alleles (0.002%); highest among the groups gnomAD compares: African/African-American, 0.031%; no homozygotes.

Submissions (4):

Labcorp Genetics (formerly Invitae), Labcorp
Classification: Likely benign for Marfan syndrome; Familial thoracic aortic aneurysm and aortic dissection. Last evaluated: 2025-08-26. Review status: criteria provided, single submitter. Criteria: Invitae Variant Classification Sherloc (09022015). Collection method: clinical testing. Allele origin: germline.

All of Us Research Program, National Institutes of Health
Classification: Likely benign for Marfan syndrome. Last evaluated: 2024-01-11. Review status: criteria provided, single submitter. Criteria: ACMG Guidelines, 2015. Collection method: clinical testing. Allele origin: germline. Inheritance: Autosomal dominant inheritance. Observed: 7 variant alleles, 7 heterozygotes.
Comment: This study involves interpretation of variants in research participants for the purpose of population health screening. Participant phenotype was not available at the time of variant classification. Additional details can be found in publication PMID: 35346344, PMCID: PMC8962531

Ambry Genetics
Classification: Likely benign for Familial thoracic aortic aneurysm and aortic dissection. Last evaluated: 2023-09-18. Review status: criteria provided, single submitter. Criteria: Ambry Variant Classification Scheme 2023. Collection method: clinical testing. Allele origin: germline.

Color Diagnostics, LLC DBA Color Health
Classification: Likely benign for Familial thoracic aortic aneurysm and aortic dissection. Last evaluated: 2022-04-20. Review status: criteria provided, single submitter. Criteria: ACMG Guidelines, 2015. Collection method: clinical testing. Allele origin: germline.

NM_000138.5(FBN1):c.2079G>A (p.Gly693=)

Gene: FBN1 (fibrillin 1; minus strand). Cytogenetic location: 15q21.1.
Variant type: single nucleotide variant.
Coding change: c.2079G>A on transcript NM_000138.5 (MANE Select); coding-DNA position 2079, G replaced by A.
Protein change: p.Gly693=; no amino-acid change (glycine 693 retained).
Molecular consequence: synonymous variant.
Genome position (GRCh38, 1-based): chr15:48,503,821, C>T on the plus strand (G>A on the coding strand, the complement: FBN1 is on the minus strand). VCF-style: chr15-48503821-C-T. GRCh37 (hg19) VCF-style: chr15-48796018-C-T.
Other names: c.2079G>A (NM_000138.4).
Identifiers: ClinVar variation 1092653 (VCV001092653.13), dbSNP rs374174497, ClinGen allele CA046680.